The following is an entry in ClinVar:

NM_000066.4(C8B):c.504A>C (p.Gln168His)

Gene: C8B (complement C8 beta chain; minus strand). Cytogenetic location: 1p32.2.
Variant type: single nucleotide variant.
Coding change: c.504A>C on transcript NM_000066.4 (MANE Select); coding-DNA position 504, A replaced by C.
Protein change: p.Gln168His; replaces glutamine 168 with histidine.
Molecular consequence: missense variant.
Genome position (GRCh38, 1-based): chr1:56,954,715, T>G on the plus strand (A>C on the coding strand, the complement: C8B is on the minus strand). VCF-style: chr1-56954715-T-G. GRCh37 (hg19) VCF-style: chr1-57420388-T-G.
Other names: c.348A>C, p.Gln116His (NM_001278543.2); c.318A>C, p.Gln106His (NM_001278544.2); short protein forms Q106H, Q168H, Q116H.
Identifiers: ClinVar variation 2113036 (VCV002113036.4), dbSNP rs1278089351, ClinGen allele CA340509893.

ClinVar aggregate classification (germline): Uncertain significance (1 of 4 stars; one submission).

Submission:

Labcorp Genetics (formerly Invitae), Labcorp
Classification: Uncertain significance. Last evaluated: 2023-11-27. Review status: criteria provided, single submitter. Criteria: Invitae Variant Classification Sherloc (09022015). Collection method: clinical testing. Allele origin: germline.
Comment: This sequence change replaces glutamine, which is neutral and polar, with histidine, which is basic and polar, at codon 168 of the C8B protein (p.Gln168His). This variant is not present in population databases (gnomAD no frequency). This variant has not been reported in the literature in individuals affected with C8B-related conditions. ClinVar contains an entry for this variant (Variation ID: 2113036). An algorithm developed to predict the effect of missense changes on protein structure and function (PolyPhen-2) suggests that this variant is likely to be tolerated. In summary, the available evidence is currently insufficient to determine the role of this variant in disease. Therefore, it has been classified as a Variant of Uncertain Significance.